The following is an entry in ClinVar:

NC_000011.9:g.(?_117857183)_(117866445_?)dup

Gene: IL10RA (interleukin 10 receptor subunit alpha; plus strand). Cytogenetic location: 11q23.3.
Variant type: Duplication.
Identifiers: ClinVar variation 3244660 (VCV003244660.1).

ClinVar aggregate classification (germline): Uncertain significance (1 of 4 stars; one submission).

Conditions:
Inflammatory bowel disease 28. Also called: Inflammatory bowel disease 28, early onset, autosomal recessive. Identifiers: Orphanet 238569, MedGen C2751053, MONDO:0013153, OMIM 613148.

Submission:

Labcorp Genetics (formerly Invitae), Labcorp
Classification: Uncertain significance for Inflammatory bowel disease 28. Last evaluated: 2023-09-01. Review status: criteria provided, single submitter. Criteria: Invitae Variant Classification Sherloc (09022015). Collection method: clinical testing. Allele origin: unknown.
Comment: In summary, the available evidence is currently insufficient to determine the role of this variant in disease. Therefore, it has been classified as a Variant of Uncertain Significance. This variant has not been reported in the literature in individuals affected with IL10RA-related conditions. This variant results in a copy number gain of the genomic region encompassing exon(s) 1-6 of the IL10RA gene. This region includes the initiator codon of the gene. This copy number gain extends beyond the assayed region for this gene and therefore may encompass additional genes. As the precise location of this event is unknown, it may be in tandem or it may be located elsewhere in the genome.